The following is an entry in ClinVar:

ClinVar aggregate classification (germline): Uncertain significance (1 of 4 stars; one submission).

Conditions:
Familial cancer of breast. Also called: BREAST CANCER, FAMILIAL; Hereditary breast cancer; hereditary breast carcinoma. Identifiers: Orphanet 227535, MedGen C0346153, MONDO:0016419, OMIM 114480. Disease mechanism: loss of function.

Submission:

Labcorp Genetics (formerly Invitae), Labcorp
Classification: Uncertain significance for Familial cancer of breast. Last evaluated: 2025-06-18. Review status: criteria provided, single submitter. Criteria: Invitae Variant Classification Sherloc (09022015). Collection method: clinical testing. Allele origin: germline.
Comment: This sequence change falls in intron 3 of the BARD1 gene. It does not directly change the encoded amino acid sequence of the BARD1 protein. This variant is not present in population databases (gnomAD no frequency). This variant has not been reported in the literature in individuals affected with BARD1-related conditions. Algorithms developed to predict the effect of sequence changes on RNA splicing suggest that this variant may disrupt the consensus splice site. In summary, the available evidence is currently insufficient to determine the role of this variant in disease. Therefore, it has been classified as a Variant of Uncertain Significance.

NM_000465.4(BARD1):c.365-13_365-6del

Gene: BARD1 (BRCA1 associated RING domain 1; minus strand). Cytogenetic location: 2q35.
Variant type: Deletion.
Coding change: c.365-13_365-6del on transcript NM_000465.4 (MANE Select); 13 bases into the intron before coding-DNA position 365 through 6 bases into the intron before coding-DNA position 365, 8 bases deleted (TTTTTTCT; older notation c.365-13_365-6delTTTTTTCT).
Molecular consequence: intron variant.
Genome position (GRCh38, 1-based): chr2:214,781,515-214,781,522, AGAAAAAA deleted on the plus strand (TTTTTTCT on the coding strand, the reverse complement: BARD1 is on the minus strand); deleting any 8 consecutive bases within chr2:214,781,515-214,781,529 gives the same sequence; the c. name uses the placement nearest the transcript's 3' end. VCF-style (leftmost placement, unchanged base first): chr2-214781514-CAGAAAAAA-C. GRCh37 (hg19) VCF-style: chr2-215646238-CAGAAAAAA-C.
Other names: c.308-13_308-6del (NM_001282543.2); c.215+15539_215+15546del (NM_001282545.2); c.364+10775_364+10782del (NM_001282549.2); c.158+27890_158+27897del (NM_001282548.2).
Identifiers: ClinVar variation 4803583 (VCV004803583.1).